The following is an entry in ClinVar:

ClinVar aggregate classification (germline): Pathogenic/Likely pathogenic. Review status: criteria provided, multiple submitters, no conflicts (2 of 4 stars). 3 submissions from 3 submitters: Pathogenic (2); Likely pathogenic (1). Last evaluated 2025-01-15.

Conditions:
Tuberous sclerosis 1 (TSC1). Identifiers: Orphanet 805, MedGen C1854465, MONDO:0008612, OMIM 191100.
Tuberous sclerosis syndrome (TSC). Also called: Tuberous Sclerosis Complex; Tuberous sclerosis. Identifiers: Orphanet 805, MedGen C0041341, MONDO:0001734.
Hereditary cancer-predisposing syndrome. Also called: Hereditary neoplastic syndrome; Tumor predisposition; Hereditary Cancer Syndrome; Neoplastic Syndromes, Hereditary. Identifiers: Orphanet 140162, MedGen C0027672, MeSH D009386, MONDO:0015356.

Allele frequency attached by ClinVar (database versions not stated): ExAC 0.00002.

Submissions (3):

Labcorp Genetics (formerly Invitae), Labcorp
Classification: Pathogenic for Tuberous sclerosis 1. Last evaluated: 2025-01-15. Review status: criteria provided, single submitter. Criteria: Invitae Variant Classification Sherloc (09022015). Collection method: clinical testing. Allele origin: germline.
Comment: This sequence change affects an acceptor splice site in intron 20 of the TSC1 gene. It is expected to disrupt RNA splicing. Variants that disrupt the donor or acceptor splice site typically lead to a loss of protein function (PMID: 16199547), and loss-of-function variants in TSC1 are known to be pathogenic (PMID: 10227394, 17304050). This variant is not present in population databases (gnomAD no frequency). Disruption of this splice site has been observed in individual(s) with tuberous sclerosis complex (PMID: 35918040; internal data). ClinVar contains an entry for this variant (Variation ID: 576564). Algorithms developed to predict the effect of sequence changes on RNA splicing suggest that this variant may disrupt the consensus splice site. For these reasons, this variant has been classified as Pathogenic.

Ambry Genetics
Classification: Likely pathogenic for Hereditary cancer-predisposing syndrome. Last evaluated: 2022-12-30. Review status: criteria provided, single submitter. Criteria: Ambry Variant Classification Scheme 2023. Collection method: clinical testing. Allele origin: germline.
Comment: The c.2626-2A>C intronic variant results from an A to C substitution two nucleotides upstream from coding exon 19 in the TSC1 gene. This alteration has been identified in a tuberous sclerosis complex (TSC) cohort (Ng SY et al. Eur J Med Genet, 2022 Oct;65:104573). This nucleotide position is highly conserved in available vertebrate species. In silico splice site analysis predicts that this alteration will weaken the native splice acceptor site and will result in the creation or strengthening of a novel splice acceptor site. RNA studies have demonstrated that this alteration results in abnormal splicing in the set of samples tested (Ambry internal data). This variant is considered to be rare based on population cohorts in the Genome Aggregation Database (gnomAD). As such, this alteration is classified as likely pathogenic.

Laboratory for Molecular Medicine, Mass General Brigham Personalized Medicine
Classification: Pathogenic for Tuberous sclerosis syndrome. Last evaluated: 2017-12-05. Review status: criteria provided, single submitter. Criteria: ACMG Guidelines, 2015. Collection method: clinical testing. Allele origin: germline. Inheritance: Autosomal dominant inheritance.
Comment: The c.2626-2A>C variant in TSC1 has not been reported in individuals with tuberous sclerosis (TSC) and was absent from large population studies. This variant occurs in the invariant region (+/- 1,2) of the splice consensus sequence and is predicted to cause altered splicing leading to an abnormal or absent protein. Another nucleotide change at this position (c.2626-2A>G) has been reported in an individual with TSC (Au 2007), supporting that variation at position c.2626-2 leads to loss of TSC1 function. Heterozygous loss-of-function of the TSC1 gene is an established disease mechanism in individuals with tuberous sclerosis. In summary, this variant meets our criteria to be classified as pathogenic for tuberous sclerosis in an autosomal dominant manner based upon the predicted impact to the protein. ACMG/AMP Criteria applied: PVS1; PM5; PM2.

Literature cited by the submitters: PubMed 16199547 (cited by Labcorp Genetics (formerly Invitae), Labcorp); PubMed 10227394 (cited by Labcorp Genetics (formerly Invitae), Labcorp); PubMed 17304050 (cited by Labcorp Genetics (formerly Invitae), Labcorp and Laboratory for Molecular Medicine, Mass General Brigham Personalized Medicine); PubMed 35918040 (cited by Labcorp Genetics (formerly Invitae), Labcorp and Ambry Genetics).

NM_000368.5(TSC1):c.2626-2A>C

Gene: TSC1 (TSC complex subunit 1; minus strand). Cytogenetic location: 9q34.13.
Variant type: single nucleotide variant.
Coding change: c.2626-2A>C on transcript NM_000368.5 (MANE Select); the canonical splice acceptor site of the intron before coding-DNA position 2626, A replaced by C.
Molecular consequence: splice acceptor variant.
Genome position (GRCh38, 1-based): chr9:132,897,612, T>G on the plus strand (A>C on the coding strand, the complement: TSC1 is on the minus strand). VCF-style: chr9-132897612-T-G. GRCh37 (hg19) VCF-style: chr9-135772999-T-G.
Other names: c.2260-2A>C (NM_001406620.1, NM_001406621.1, NM_001406622.1 and 1 more transcripts); c.2263-2A>C (NM_001406618.1, NM_001406617.1, NM_001406619.1 and 4 more transcripts); c.2218-2A>C (NM_001406625.1); c.2428-2A>C (NM_001406613.1); c.2470-2A>C (NM_001406612.1, NM_001406611.1); c.2473-2A>C (NM_001406610.1, NM_001162427.2); c.1672-2A>C (NM_001406627.1, NM_001406628.1); c.1573-2A>C (NM_001406629.1, NM_001406630.1); and 8 more.
Identifiers: ClinVar variation 576564 (VCV000576564.9), dbSNP rs118203717, ClinGen allele CA033791.